The following is an entry in ClinVar:

NM_001079843.3(CASZ1):c.4054del (p.Glu1352fs)

Gene: CASZ1 (castor zinc finger 1; minus strand). Cytogenetic location: 1p36.22.
Variant type: Deletion.
Coding change: c.4054del on transcript NM_001079843.3 (MANE Select); coding-DNA position 4054, one base deleted (G; older notation c.4054delG).
Protein change: p.Glu1352fs; shifts the reading frame from glutamic acid 1352.
Molecular consequence: frameshift variant.
Genome position (GRCh38, 1-based): chr1:10,642,967, C deleted on the plus strand (G on the coding strand, the reverse complement: CASZ1 is on the minus strand). VCF-style (leftmost placement, unchanged base first): chr1-10642966-TC-T. GRCh37 (hg19) VCF-style: chr1-10703023-TC-T.
Other names: short protein forms E1352fs.
Identifiers: ClinVar variation 3363914 (VCV003363914.1).

ClinVar aggregate classification (germline): Uncertain significance (1 of 4 stars; one submission).

Submission:

GeneDx
Classification: Uncertain significance. Last evaluated: 2023-11-09. Review status: criteria provided, single submitter. Criteria: GeneDx Variant Classification Process June 2021. Collection method: clinical testing. Allele origin: germline. Affected: yes.
Comment: Not observed at significant frequency in large population cohorts (gnomAD); Frameshift variant predicted to result in protein truncation in a gene or region of a gene for which loss of function is not a well-established mechanism of disease; Has not been previously published as pathogenic or benign to our knowledge; Variants in candidate genes are classified as variants of uncertain significance in accordance with ACMG guidelines (PMID: 25741868)